The following is an entry in ClinVar:

ClinVar aggregate classification (germline): Uncertain significance. Review status: criteria provided, multiple submitters, no conflicts (2 of 4 stars). 2 submissions from 2 submitters: Uncertain significance (2). Last evaluated 2026-01-05.

Conditions:
ADGRA3-related disorder. Also called: ADGRA3-related condition.

Allele frequency attached by ClinVar (database versions not stated): 1000 Genomes Project 0.00040; 1000 Genomes Project 30x 0.00047; TOPMed 0.00060; gnomAD 0.00068 and 0.00069; ESP Exome Variant Server 0.00100.

Submissions (2):

Labcorp Genetics (formerly Invitae), Labcorp
Classification: Uncertain significance. Last evaluated: 2026-01-05. Review status: criteria provided, single submitter. Criteria: Invitae Variant Classification Sherloc (09022015). Collection method: clinical testing. Allele origin: germline.
Comment: This sequence change replaces alanine, which is neutral and non-polar, with proline, which is neutral and non-polar, at codon 316 of the ADGRA3 protein (p.Ala316Pro). This variant is present in population databases (rs144997202, gnomAD 0.1%), and has an allele count higher than expected for a pathogenic variant. This variant has not been reported in the literature in individuals affected with ADGRA3-related conditions. ClinVar contains an entry for this variant (Variation ID: 840443). An algorithm developed to predict the effect of missense changes on protein structure and function (PolyPhen-2) suggests that this variant is likely to be tolerated. In summary, the available evidence is currently insufficient to determine the role of this variant in disease. Therefore, it has been classified as a Variant of Uncertain Significance.

Department of Pathology and Laboratory Medicine, Sinai Health System
Classification: Uncertain significance for ADGRA3-related condition. Last evaluated: 2022-03-25. Review status: criteria provided, single submitter. Criteria: ACMG Guidelines, 2015. Collection method: research. Allele origin: germline.

NM_145290.4(ADGRA3):c.946G>C (p.Ala316Pro)

Gene: ADGRA3 (adhesion G protein-coupled receptor A3; minus strand). Cytogenetic location: 4p15.2.
Variant type: single nucleotide variant.
Coding change: c.946G>C on transcript NM_145290.4 (MANE Select); coding-DNA position 946, G replaced by C.
Protein change: p.Ala316Pro; replaces alanine 316 with proline.
Molecular consequence: missense variant.
Genome position (GRCh38, 1-based): chr4:22,438,395, C>G on the plus strand (G>C on the coding strand, the complement: ADGRA3 is on the minus strand). VCF-style: chr4-22438395-C-G. GRCh37 (hg19) VCF-style: chr4-22440018-C-G.
Other names: short protein forms A316P.
Identifiers: ClinVar variation 840443 (VCV000840443.9), dbSNP rs144997202, ClinGen allele CA2874090.